The following is an entry in ClinVar:

NM_052947.4(ALPK2):c.2429G>T (p.Gly810Val)

Gene: ALPK2 (alpha kinase 2; minus strand). Cytogenetic location: 18q21.31.
Variant type: single nucleotide variant.
Coding change: c.2429G>T on transcript NM_052947.4 (MANE Select); coding-DNA position 2429, G replaced by T.
Protein change: p.Gly810Val; replaces glycine 810 with valine.
Molecular consequence: missense variant.
Genome position (GRCh38, 1-based): chr18:58,537,758, C>A on the plus strand (G>T on the coding strand, the complement: ALPK2 is on the minus strand). VCF-style: chr18-58537758-C-A. GRCh37 (hg19) VCF-style: chr18-56204990-C-A.
Other names: short protein forms G810V.
Identifiers: ClinVar variation 1791126 (VCV001791126.3), dbSNP rs2518877674, ClinGen allele CA402570653.
Genomic context (GRCh38, chr18:58,537,758, plus strand): 5'-TATTTATCAACTGGTCTCCCAACAAGAGAATCTATGGTATCAAAACACGTTCCTTGGTCA[C>A]CAGCCTCAAAACACTCCATTGCACACACTGCTTCTCTGTCCCTTGGCTCATCACACACAT-3'
Protein context (NP_443179.3, residues 800-820): AVCAMECFEA[Gly810Val]DQGTCFDTID

ClinVar aggregate classification (germline): Uncertain significance (1 of 4 stars; one submission).

Submission:

Ambry Genetics
Classification: Uncertain significance. Last evaluated: 2022-04-19. Review status: criteria provided, single submitter. Criteria: Ambry Variant Classification Scheme 2023. Collection method: clinical testing. Allele origin: germline.
Comment: The p.G810V variant (also known as c.2429G>T), located in coding exon 4 of the ALPK2 gene, results from a G to T substitution at nucleotide position 2429. The glycine at codon 810 is replaced by valine, an amino acid with dissimilar properties. This amino acid position is conserved. In addition, this alteration is predicted to be tolerated by in silico analysis. Since supporting evidence is limited at this time, the clinical significance of this alteration remains unclear.